The following is an entry in ClinVar:

ClinVar aggregate classification (germline): Uncertain significance (1 of 4 stars; one submission).

Conditions:
Hereditary spastic paraplegia 30. Identifiers: Orphanet 101010, MedGen C5235139, MONDO:0012476.
Neuropathy, hereditary sensory, type 2C. Also called: Hereditary sensory and autonomic neuropathy type IIC; KIF1A-Related HSAN2 (HSAN2C). Identifiers: Orphanet 970, MedGen C3280168, MONDO:0013634, OMIM 614213.
Intellectual disability, autosomal dominant 9 (NESCAVS). Also called: NESCAV SYNDROME; KIF1A-Related Neurodevelopmental Disorder. Identifiers: Orphanet 662367, MedGen C5393830, MONDO:0013656, OMIM 614255.

Submission:

Labcorp Genetics (formerly Invitae), Labcorp
Classification: Uncertain significance for Hereditary spastic paraplegia 30; Neuropathy, hereditary sensory, type 2C; Intellectual disability, autosomal dominant 9. Last evaluated: 2021-09-21. Review status: criteria provided, single submitter. Criteria: Invitae Variant Classification Sherloc (09022015). Collection method: clinical testing. Allele origin: germline.
Comment: This sequence change replaces serine with asparagine at codon 1532 of the KIF1A protein (p.Ser1532Asn). The serine residue is moderately conserved and there is a small physicochemical difference between serine and asparagine. This variant is not present in population databases (ExAC no frequency). This variant has not been reported in the literature in individuals affected with KIF1A-related conditions. Advanced modeling of protein sequence and biophysical properties (such as structural, functional, and spatial information, amino acid conservation, physicochemical variation, residue mobility, and thermodynamic stability) performed at Invitae indicates that this missense variant is not expected to disrupt KIF1A protein function. In summary, the available evidence is currently insufficient to determine the role of this variant in disease. Therefore, it has been classified as a Variant of Uncertain Significance.

NM_001244008.2(KIF1A):c.4898G>A (p.Ser1633Asn)

Gene: KIF1A (kinesin family member 1A; minus strand). Cytogenetic location: 2q37.3.
Variant type: single nucleotide variant.
Coding change: c.4898G>A on transcript NM_001244008.2 (MANE Select); coding-DNA position 4898, G replaced by A.
Protein change: p.Ser1633Asn; replaces serine 1633 with asparagine.
Molecular consequence: missense variant.
Genome position (GRCh38, 1-based): chr2:240,719,897, C>T on the plus strand (G>A on the coding strand, the complement: KIF1A is on the minus strand). VCF-style: chr2-240719897-C-T. GRCh37 (hg19) VCF-style: chr2-241659314-C-T.
Other names: c.4622G>A, p.Ser1541Asn (NM_001320705.2, NM_001379649.1); c.4649G>A, p.Ser1550Asn (NM_001330289.2); c.4697G>A, p.Ser1566Asn (NM_001330290.2, NM_001379648.1); c.4973G>A, p.Ser1658Asn (NM_001379631.1); c.4874G>A, p.Ser1625Asn (NM_001379632.1); c.4871G>A, p.Ser1624Asn (NM_001379633.1, NM_001379645.1); c.4724G>A, p.Ser1575Asn (NM_001379634.1); c.4721G>A, p.Ser1574Asn (NM_001379635.1, NM_001379646.1); and 7 more; short protein forms S1540N, S1541N, S1570N, S1550N, S1574N, S1658N, S1531N, S1557N.
Identifiers: ClinVar variation 1373568 (VCV001373568.6), dbSNP rs2125575413, ClinGen allele CA351300932.